The following is an entry in ClinVar:

ClinVar aggregate classification (germline): Likely benign (1 of 4 stars; one submission).

gnomAD v4.1: 15 of 1,613,718 alleles (0.00093%); highest among the groups gnomAD compares: Non-Finnish European, 0.0013%; no homozygotes.

Submission:

CeGaT Center for Human Genetics Tuebingen
Classification: Likely benign. Last evaluated: 2025-09-01. Review status: criteria provided, single submitter. Criteria: CeGaT Center For Human Genetics Tuebingen Variant Classification Criteria Version 2. Collection method: clinical testing. Allele origin: germline. Affected: yes. Observed: 1 variant allele.
Comment: POU4F1: BP4, BP7

NM_006237.4(POU4F1):c.942G>T (p.Ser314=)

Genes: OBI1-AS1 (OBI1 antisense RNA 1; plus strand), POU4F1 (POU class 4 homeobox 1; minus strand). Cytogenetic location: 13q31.1.
Variant type: single nucleotide variant.
Coding change: c.942G>T on transcript NM_006237.4 (MANE Select); coding-DNA position 942, G replaced by T.
Protein change: p.Ser314=; no amino-acid change (serine 314 retained).
Molecular consequence: synonymous variant.
Genome position (GRCh38, 1-based): chr13:78,601,733, C>A on the plus strand (G>T on the coding strand, the complement: POU4F1 is on the minus strand). VCF-style: chr13-78601733-C-A. GRCh37 (hg19) VCF-style: chr13-79175868-C-A.
Identifiers: ClinVar variation 4281169 (VCV004281169.7).
Genomic context (GRCh38, chr13:78,601,733, plus strand): 5'-CTCGAGCCACGCCTGCAGGATGGGCTTGAGCGCGATCATGTTGTTGTGCGAGAGCGTGAG[C>A]GACTCGAACCTGCAGATGGTGCTCTGGCTGAGTGAGCCCACGCCCGGGATCTTGAGGTTG-3'
Protein context (NP_006228.3, residues 304-324): LSQSTICRFE[Ser314=]LTLSHNNMIA